The following is an entry in ClinVar:

ClinVar aggregate classification (germline): Uncertain significance (1 of 4 stars; one submission).

Submission:

Labcorp Genetics (formerly Invitae), Labcorp
Classification: Uncertain significance. Last evaluated: 2025-07-09. Review status: criteria provided, single submitter. Criteria: Invitae Variant Classification Sherloc (09022015). Collection method: clinical testing. Allele origin: germline.
Comment: This sequence change falls in intron 4 of the DTHD1 gene. It does not directly change the encoded amino acid sequence of the DTHD1 protein. This variant is not present in population databases (gnomAD no frequency). This variant has not been reported in the literature in individuals affected with DTHD1-related conditions. Algorithms developed to predict the effect of sequence changes on RNA splicing suggest that this variant may disrupt the consensus splice site. In summary, the available evidence is currently insufficient to determine the role of this variant in disease. Therefore, it has been classified as a Variant of Uncertain Significance.

NM_001170700.3(DTHD1):c.1644-8T>A

Gene: DTHD1 (death domain containing 1; plus strand). Cytogenetic location: 4p14.
Variant type: single nucleotide variant.
Coding change: c.1644-8T>A on transcript NM_001170700.3 (MANE Select); 8 bases into the intron before coding-DNA position 1644, T replaced by A.
Molecular consequence: intron variant.
Genome position (GRCh38, 1-based): chr4:36,306,183, T>A. VCF-style: chr4-36306183-T-A. GRCh37 (hg19) VCF-style: chr4-36307805-T-A.
Other names: c.774-8T>A (NM_001136536.5); c.711-8T>A (NM_001378435.1).
Identifiers: ClinVar variation 4766064 (VCV004766064.1).